The following is an entry in ClinVar:

ClinVar aggregate classification (germline): Uncertain significance (1 of 4 stars; one submission).

Submission:

Labcorp Genetics (formerly Invitae), Labcorp
Classification: Uncertain significance. Last evaluated: 2025-08-18. Review status: criteria provided, single submitter. Criteria: Invitae Variant Classification Sherloc (09022015). Collection method: clinical testing. Allele origin: germline.
Comment: This sequence change replaces glycine, which is neutral and non-polar, with serine, which is neutral and polar, at codon 572 of the COL4A2 protein (p.Gly572Ser). This variant is not present in population databases (gnomAD no frequency). This variant has not been reported in the literature in individuals affected with COL4A2-related conditions. ClinVar contains an entry for this variant (Variation ID: 3653413). Invitae Evidence Modeling of protein sequence and biophysical properties (such as structural, functional, and spatial information, amino acid conservation, physicochemical variation, residue mobility, and thermodynamic stability) has been performed for this missense variant. However, the output from this modeling did not meet the statistical confidence thresholds required to predict the impact of this variant on COL4A2 protein function. In summary, the available evidence is currently insufficient to determine the role of this variant in disease. Therefore, it has been classified as a Variant of Uncertain Significance.

NM_001846.4(COL4A2):c.1714G>A (p.Gly572Ser)

Genes: COL4A2 (collagen type IV alpha 2 chain; plus strand), COL4A2-AS2 (COL4A2 antisense RNA 2; minus strand). Cytogenetic location: 13q34.
Variant type: single nucleotide variant.
Coding change: c.1714G>A on transcript NM_001846.4 (MANE Select); coding-DNA position 1714, G replaced by A.
Protein change: p.Gly572Ser; replaces glycine 572 with serine.
Molecular consequence: missense variant.
Genome position (GRCh38, 1-based): chr13:110,462,322, G>A. VCF-style: chr13-110462322-G-A. GRCh37 (hg19) VCF-style: chr13-111114669-G-A.
Other names: short protein forms G572S.
Identifiers: ClinVar variation 3653413 (VCV003653413.2).
Genomic context (GRCh38, chr13:110,462,322, plus strand): 5'-GCAAATCCCTTTCTAGGTGAGCGGGGACAGCCCGGCGTCCCAGGTGTGCCCGGGATGAAA[G>A]GTGACGATGGCAGCCCAGGCCGCGATGGGCTCGATGGATTCCCCGGCCTCCCAGGCCCTC-3'
Protein context (NP_001837.2, residues 562-582): PGVPGVPGMK[Gly572Ser]DDGSPGRDGL